The following is an entry in ClinVar:

ClinVar aggregate classification (germline): Uncertain significance. Review status: criteria provided, single submitter (1 of 4 stars). 2 submissions from 2 submitters: Uncertain significance (1). 1 of the submissions does not count toward it. Last evaluated 2020-09-09.

Conditions:
Microcephaly, normal intelligence and immunodeficiency (NBS). Also called: BERLIN BREAKAGE SYNDROME; Immunodeficiency, microcephaly with normal intelligence; SEEMANOVA SYNDROME II; Nijmegen breakage syndrome; Microcephaly with normal intelligence immunodeficiency and lymphoreticular malignancies; Nonsyndromal microcephaly autosomal recessive with normal intelligence. Identifiers: Orphanet 647, MedGen C0398791, MONDO:0009623, OMIM 251260.

Submissions (2):

Labcorp Genetics (formerly Invitae), Labcorp
Classification: Uncertain significance for Microcephaly, normal intelligence and immunodeficiency. Last evaluated: 2020-09-09. Review status: criteria provided, single submitter. Criteria: Invitae Variant Classification Sherloc (09022015). Collection method: clinical testing. Allele origin: germline.
Comment: In summary, the available evidence is currently insufficient to determine the role of this variant in disease. Therefore, it has been classified as a Variant of Uncertain Significance. Algorithms developed to predict the effect of missense changes on protein structure and function output the following: SIFT: "Tolerated"; PolyPhen-2: "Benign"; Align-GVGD: "Class C0". The alanine amino acid residue is found in multiple mammalian species, suggesting that this missense change does not adversely affect protein function. These predictions have not been confirmed by published functional studies and their clinical significance is uncertain. This variant has not been reported in the literature in individuals with NBN-related conditions. This variant is not present in population databases (ExAC no frequency). This sequence change replaces valine with alanine at codon 54 of the NBN protein (p.Val54Ala). The valine residue is weakly conserved and there is a small physicochemical difference between valine and alanine.

Natera, Inc.
Classification: Uncertain significance for Nijmegen breakage syndrome. Last evaluated: 2021-01-28. Review status: no assertion criteria provided. Collection method: clinical testing. Allele origin: germline. Not counted in ClinVar's aggregate classification.

NM_002485.5(NBN):c.161T>C (p.Val54Ala)

Gene: NBN (nibrin; minus strand). Cytogenetic location: 8q21.3.
Variant type: single nucleotide variant.
Coding change: c.161T>C on transcript NM_002485.5 (MANE Select); coding-DNA position 161, T replaced by C.
Protein change: p.Val54Ala; replaces valine 54 with alanine.
Molecular consequence: missense variant. On other transcripts: 5 prime UTR variant (1).
Genome position (GRCh38, 1-based): chr8:89,982,732, A>G on the plus strand (T>C on the coding strand, the complement: NBN is on the minus strand). VCF-style: chr8-89982732-A-G. GRCh37 (hg19) VCF-style: chr8-90994960-A-G.
Other names: c.-136T>C (NM_001024688.3); short protein forms V54A.
Identifiers: ClinVar variation 1008920 (VCV001008920.12), dbSNP rs769700749, ClinGen allele CA371662913.
Genomic context (GRCh38, chr8:89,982,732, plus strand): 5'-TGATTTCAACCCCCTTACTGGAAACTAGTGAAATAAAATTAGTAACATACCAGGTTGGTT[A>G]CAGAAAAGTTAGCAGTTAACACAGCATGATTTCGGCTGATCGACTGATCATTTTCAATCA-3'
Protein context (NP_002476.2, residues 44-64): NHAVLTANFS[Val54Ala]TNLSQTDEIP